The following is an entry in ClinVar:

ClinVar aggregate classification (germline): Uncertain significance (0 of 4 stars; one submission).

Conditions:
DIS3L2-related disorder. Also called: DIS3L2-related condition.

Allele frequency attached by ClinVar (database versions not stated): gnomAD 0.00019; ExAC 0.00005; TOPMed 0.00036.
gnomAD v4.1: 61 of 1,556,080 alleles (0.0039%); highest among the groups gnomAD compares: African/African-American, 0.068%; no homozygotes.

Submission:

PreventionGenetics, part of Exact Sciences
Classification: Uncertain significance for DIS3L2-related condition. Last evaluated: 2024-02-17. Review status: no assertion criteria provided. Collection method: clinical testing. Allele origin: germline.
Comment: The DIS3L2 c.1723T>C variant is predicted to result in the amino acid substitution p.Phe575Leu. To our knowledge, this variant has not been reported in the literature. This variant is reported in 0.066% of alleles in individuals of African descent in gnomAD, indicating it is rare. This variant is not present in ClinVar. At this time, the clinical significance of this variant is uncertain due to the absence of conclusive functional and genetic evidence.

NM_001257281.2(DIS3L2):c.1723T>C (p.Phe575Leu)

Gene: DIS3L2 (DIS3 like 3'-5' exoribonuclease 2; plus strand). Cytogenetic location: 2q37.1.
Variant type: single nucleotide variant.
Coding change: c.1723T>C on transcript NM_001257281.2; coding-DNA position 1723, T replaced by C.
Protein change: p.Phe575Leu; replaces phenylalanine 575 with leucine.
Molecular consequence: missense variant.
Genome position (GRCh38, 1-based): chr2:232,343,486, T>C. VCF-style: chr2-232343486-T-C. GRCh37 (hg19) VCF-style: chr2-233208196-T-C.
Other names: short protein forms F575L.
Identifiers: ClinVar variation 3058406 (VCV003058406.2), dbSNP rs759100787, ClinGen allele CA2164755.